The following is an entry in ClinVar:

ClinVar aggregate classification (germline): Uncertain significance. Review status: criteria provided, multiple submitters, no conflicts (2 of 4 stars). 3 submissions from 3 submitters: Uncertain significance (3). Last evaluated 2023-02-15.

Allele frequency attached by ClinVar (database versions not stated): gnomAD exomes 0.00001; ESP Exome Variant Server 0.00022.
gnomAD v4.1: 7 of 1,521,878 alleles (0.00046%); highest among the groups gnomAD compares: South Asian, 0.0013%; no homozygotes.

Submissions (3):

GeneDx
Classification: Uncertain significance. Last evaluated: 2023-02-15. Review status: criteria provided, single submitter. Criteria: GeneDx Variant Classification Process June 2021. Collection method: clinical testing. Allele origin: germline. Affected: yes.
Comment: In silico analysis supports that this missense variant has a deleterious effect on protein structure/function; Has not been previously published as pathogenic or benign to our knowledge

Labcorp Genetics (formerly Invitae), Labcorp
Classification: Uncertain significance. Last evaluated: 2021-08-31. Review status: criteria provided, single submitter. Criteria: Invitae Variant Classification Sherloc (09022015). Collection method: clinical testing. Allele origin: germline.
Comment: This sequence change replaces cysteine with arginine at codon 1982 of the EYS protein (p.Cys1982Arg). The cysteine residue is moderately conserved and there is a large physicochemical difference between cysteine and arginine. This variant is not present in population databases (ExAC no frequency). This variant has not been reported in the literature in individuals affected with EYS-related conditions. Algorithms developed to predict the effect of missense changes on protein structure and function are either unavailable or do not agree on the potential impact of this missense change (SIFT: "Tolerated"; PolyPhen-2: "Probably Damaging"; Align-GVGD: "Class C0"). In summary, the available evidence is currently insufficient to determine the role of this variant in disease. Therefore, it has been classified as a Variant of Uncertain Significance.

Blueprint Genetics
Classification: Uncertain significance. Last evaluated: 2018-04-05. Review status: criteria provided, single submitter. Criteria: ACMG Guidelines, 2015. Collection method: clinical testing. Allele origin: germline.

NM_001142800.2(EYS):c.5944T>C (p.Cys1982Arg)

Gene: EYS (EGF-like photoreceptor maintenance factor; minus strand). Cytogenetic location: 6q12.
Variant type: single nucleotide variant.
Coding change: c.5944T>C on transcript NM_001142800.2 (MANE Select); coding-DNA position 5944, T replaced by C.
Protein change: p.Cys1982Arg; replaces cysteine 1982 with arginine.
Molecular consequence: missense variant.
Genome position (GRCh38, 1-based): chr6:64,388,824, A>G on the plus strand (T>C on the coding strand, the complement: EYS is on the minus strand). VCF-style: chr6-64388824-A-G. GRCh37 (hg19) VCF-style: chr6-65098717-A-G.
Other names: c.5944T>C (NM_001142800.1); c.5944T>C, p.Cys1982Arg (NM_001292009.2); short protein forms C1982R.
Identifiers: ClinVar variation 2165870 (VCV002165870.3), dbSNP rs377025352, ClinGen allele CA140315876.